The following is an entry in ClinVar:

NM_001256789.3(CACNA1F):c.5447G>A (p.Arg1816Gln)

Gene: CACNA1F (calcium voltage-gated channel subunit alpha1 F; minus strand). Cytogenetic location: Xp11.23.
Variant type: single nucleotide variant.
Coding change: c.5447G>A on transcript NM_001256789.3 (MANE Select); coding-DNA position 5447, G replaced by A.
Protein change: p.Arg1816Gln; replaces arginine 1816 with glutamine.
Molecular consequence: missense variant.
Genome position (GRCh38, 1-based): chrX:49,206,536, C>T on the plus strand (G>A on the coding strand, the complement: CACNA1F is on the minus strand). VCF-style: chrX-49206536-C-T. GRCh37 (hg19) VCF-style: chrX-49062997-C-T.
Other names: c.5285G>A, p.Arg1762Gln (NM_001256790.3); c.5480G>A, p.Arg1827Gln (NM_005183.4); short protein forms R1762Q, R1827Q, R1816Q.
Identifiers: ClinVar variation 957194 (VCV000957194.11), dbSNP rs372426153, ClinGen allele CA10409976.

ClinVar aggregate classification (germline): Conflicting classifications of pathogenicity. Review status: criteria provided, conflicting classifications (1 of 4 stars). 3 submissions from 3 submitters: Uncertain significance (1); Likely benign (1). 1 of the submissions does not count toward it. Last evaluated 2025-05-05.

Conditions:
Retinal dystrophy. Also called: Inherited retinal dystrophy. Identifiers: Orphanet 71862, MedGen C0854723, MeSH D058499, MONDO:0019118, HP:0000556.

Allele frequency attached by ClinVar (database versions not stated): gnomAD 0.00003 and 0.00004; gnomAD exomes 0.00004 and 0.00009; ExAC 0.00006; TOPMed 0.00006; ESP Exome Variant Server 0.00009.
gnomAD v4.1: 104 of 1,205,978 alleles (0.0086%); highest among the groups gnomAD compares: Non-Finnish European, 0.011%; no homozygotes.

Submissions (3):

Labcorp Genetics (formerly Invitae), Labcorp
Classification: Uncertain significance. Last evaluated: 2025-05-05. Review status: criteria provided, single submitter. Criteria: Invitae Variant Classification Sherloc (09022015). Collection method: clinical testing. Allele origin: germline.
Comment: This sequence change replaces arginine, which is basic and polar, with glutamine, which is neutral and polar, at codon 1827 of the CACNA1F protein (p.Arg1827Gln). This variant is present in population databases (rs372426153, gnomAD 0.007%). This variant has not been reported in the literature in individuals affected with CACNA1F-related conditions. ClinVar contains an entry for this variant (Variation ID: 957194). An algorithm developed to predict the effect of missense changes on protein structure and function outputs the following: PolyPhen-2: "Benign". The glutamine amino acid residue is found in multiple mammalian species, which suggests that this missense change does not adversely affect protein function. In summary, the available evidence is currently insufficient to determine the role of this variant in disease. Therefore, it has been classified as a Variant of Uncertain Significance.

Blueprint Genetics
Classification: Likely benign. Last evaluated: 2023-09-28. Review status: criteria provided, single submitter. Criteria: ACMG Guidelines, 2015. Collection method: clinical testing. Allele origin: germline.

Institute of Human Genetics, Univ. Regensburg, Univ. Regensburg
Classification: Uncertain significance for Retinal dystrophy. Last evaluated: 2023-01-01. Review status: no assertion criteria provided. Criteria: ACMG Guidelines, 2015. Collection method: clinical testing. Allele origin: germline. Affected: yes. Not counted in ClinVar's aggregate classification.